The following is an entry in ClinVar:

ClinVar aggregate classification (germline): Benign. Review status: criteria provided, multiple submitters, no conflicts (2 of 4 stars). 3 submissions from 3 submitters: Benign (3). Last evaluated 2018-08-03.

Conditions:
Cataract 14 multiple types. Also called: CATARACT 14, ZONULAR PULVERULENT; CATARACT 14, NUCLEAR PULVERULENT; CATARACT 14, NUCLEAR PULVERULENT AND POSTERIOR POLAR; CATARACT 14, NUCLEAR CORALLIFORM; CATARACT 14, EMBRYONAL NUCLEAR; CATARACT 14, COPPOCK-LIKE. Identifiers: Orphanet 91492, MedGen C1866078, MONDO:0011162, OMIM 601885.

Allele frequency attached by ClinVar (database versions not stated): gnomAD exomes 0.24263; TOPMed 0.24520; 1000 Genomes Project 0.26817; gnomAD 0.24473 and 0.24705; 1000 Genomes Project 30x 0.26655.
gnomAD v4.1: 93,194 of 380,100 alleles (25%); highest among the groups gnomAD compares: Middle Eastern, 31%; 12,167 homozygotes.

Submissions (3):

GeneDx
Classification: Benign. Last evaluated: 2018-08-03. Review status: criteria provided, single submitter. Criteria: GeneDx Variant Classification Process June 2021. Collection method: clinical testing. Allele origin: germline. Affected: yes.

Illumina Laboratory Services, Illumina
Classification: Benign for Cataract 14 multiple types. Last evaluated: 2018-01-13. Review status: criteria provided, single submitter. Criteria: ICSL Variant Classification Criteria 13 December 2019. Collection method: clinical testing. Allele origin: germline.
Comment: This variant was observed in the ICSL laboratory as part of a predisposition screen in an ostensibly healthy population. It had not been previously curated by ICSL or reported in the Human Gene Mutation Database (HGMD: prior to June 1st, 2018), and was therefore a candidate for classification through an automated scoring system. Utilizing variant allele frequency, disease prevalence and penetrance estimates, and inheritance mode, an automated score was calculated to assess if this variant is too frequent to cause the disease. Based on the score and internal cut-off values, a variant classified as benign is not then subjected to further curation. The score for this variant resulted in a classification of benign for this disease.

Breakthrough Genomics
Classification: Benign. Review status: criteria provided, single submitter. Criteria: ACMG Guidelines, 2015. Collection method: not provided. Allele origin: germline. Inheritance: Autosomal dominant inheritance. Affected: yes.

NM_021954.4(GJA3):c.*319G>T

Gene: GJA3 (gap junction protein alpha 3; minus strand). Cytogenetic location: 13q12.11.
Variant type: single nucleotide variant.
Coding change: c.*319G>T on transcript NM_021954.4 (MANE Select); 319 bases downstream of the stop codon, G replaced by T.
Molecular consequence: 3 prime UTR variant.
Genome position (GRCh38, 1-based): chr13:20,141,662, C>A on the plus strand (G>T on the coding strand, the complement: GJA3 is on the minus strand). VCF-style: chr13-20141662-C-A. GRCh37 (hg19) VCF-style: chr13-20715801-C-A.
Identifiers: ClinVar variation 311326 (VCV000311326.7), dbSNP rs1886176, ClinGen allele CA10642961.
Genomic context (GRCh38, chr13:20,141,662, plus strand): 5'-TAGCAAACCCAATTGCCCAGGAGCTAAAGGGACTGCAGGATACCTGTTGCTTTACCACTA[C>A]AGAACAGTTACCCCCAGAGACAGCCCTCAGCGACCAGATTTCTGGGCTGCTGTGAAGATC-3'